The following is an entry in ClinVar:

ClinVar aggregate classification (germline): Uncertain significance. Review status: criteria provided, multiple submitters, no conflicts (2 of 4 stars). 5 submissions from 5 submitters: Uncertain significance (5). Last evaluated 2025-09-07.

Conditions:
Cardiovascular phenotype. Identifiers: MedGen CN230736.
Dilated cardiomyopathy 1AA (CMD1AA). Also called: Cardiomyopathy, dilated, 1AA, with or without LVNC; CARDIOMYOPATHY, DILATED, 1AA, WITH OR WITHOUT LEFT VENTRICULAR NONCOMPACTION; CARDIOMYOPATHY, FAMILIAL HYPERTROPHIC, 23, WITH OR WITHOUT LEFT VENTRICULAR NONCOMPACTION. Identifiers: Orphanet 154, MedGen C2677338, MONDO:0012808, OMIM 612158.
Primary familial hypertrophic cardiomyopathy (HCM). Identifiers: Orphanet 99739, MedGen C0949658, MeSH D024741, MONDO:0024573. Inheritance: Various modes of inheritance.

Allele frequency attached by ClinVar (database versions not stated): gnomAD exomes below 0.00001 and 0.00001; gnomAD 0.00001; TOPMed 0.00001.
gnomAD v4.1: 5 of 1,613,906 alleles (0.00031%); highest among the groups gnomAD compares: East Asian, 0.0045%; no homozygotes.

Submissions (5):

Labcorp Genetics (formerly Invitae), Labcorp
Classification: Uncertain significance for Primary familial hypertrophic cardiomyopathy; Dilated cardiomyopathy 1AA. Last evaluated: 2025-09-07. Review status: criteria provided, single submitter. Criteria: Invitae Variant Classification Sherloc (09022015). Collection method: clinical testing. Allele origin: germline.
Comment: This sequence change replaces serine, which is neutral and polar, with asparagine, which is neutral and polar, at codon 600 of the ACTN2 protein (p.Ser600Asn). This variant is present in population databases (rs794728968, gnomAD 0.006%). This variant has not been reported in the literature in individuals affected with ACTN2-related conditions. ClinVar contains an entry for this variant (Variation ID: 201643). Invitae Evidence Modeling of protein sequence and biophysical properties (such as structural, functional, and spatial information, amino acid conservation, physicochemical variation, residue mobility, and thermodynamic stability) indicates that this missense variant is not expected to disrupt ACTN2 protein function with a negative predictive value of 80%. In summary, the available evidence is currently insufficient to determine the role of this variant in disease. Therefore, it has been classified as a Variant of Uncertain Significance.

Ambry Genetics
Classification: Uncertain significance for Cardiovascular phenotype. Last evaluated: 2025-03-23. Review status: criteria provided, single submitter. Criteria: Ambry Variant Classification Scheme 2023. Collection method: clinical testing. Allele origin: germline.
Comment: The p.S600N variant (also known as c.1799G>A), located in coding exon 15 of the ACTN2 gene, results from a G to A substitution at nucleotide position 1799. The serine at codon 600 is replaced by asparagine, an amino acid with highly similar properties. This amino acid position is conserved. In addition, this alteration is predicted to be tolerated by in silico analysis. Since supporting evidence is limited at this time, the clinical significance of this alteration remains unclear.

Illumina Laboratory Services, Illumina
Classification: Uncertain significance for Dilated cardiomyopathy 1AA. Last evaluated: 2018-01-12. Review status: criteria provided, single submitter. Criteria: ICSL Variant Classification Criteria 13 December 2019. Collection method: clinical testing. Allele origin: germline.

GeneDx
Classification: Uncertain significance. Last evaluated: 2014-07-11. Review status: criteria provided, single submitter. Criteria: GeneDx Variant Classification (06012015). Collection method: clinical testing. Allele origin: germline. Affected: yes.
Comment: A variant of unknown significance has been identified in the ACTN2 gene. The S600N variant has not been published as a mutation or as a benign polymorphism to our knowledge. The S600N variant was not observed in approximately 6,500 individuals of European and African American ancestry in the NHLBI Exome Sequencing Project, indicating it is not a common benign variant in these populations. In addition, this substitution occurs at a position that is completely conserved in mammals. Furthermore, in silico analysis predicts this variant is probably damaging to the protein structure/function. Nevertheless, the S600N variant is a conservative amino acid substitution, which is not likely to impact secondary protein structure as these residues share similar properties. Moreover, no missense mutations in nearby residues have been reported in association with DCM, indicating this region of the protein may be tolerant of change. The variant is found in CARDIOMYOPATHY panel(s).

Molecular Diagnostic Laboratory for Inherited Cardiovascular Disease, Montreal Heart Institute
Classification: Uncertain significance for Primary familial hypertrophic cardiomyopathy. Review status: criteria provided, single submitter. Criteria: ACMG Guidelines, 2015. Collection method: clinical testing. Allele origin: germline. Affected: yes.

NM_001103.4(ACTN2):c.1799G>A (p.Ser600Asn)

Gene: ACTN2 (actinin alpha 2; plus strand). Cytogenetic location: 1q43.
Variant type: single nucleotide variant.
Coding change: c.1799G>A on transcript NM_001103.4 (MANE Select); coding-DNA position 1799, G replaced by A.
Protein change: p.Ser600Asn; replaces serine 600 with asparagine.
Molecular consequence: missense variant.
Genome position (GRCh38, 1-based): chr1:236,751,612, G>A. VCF-style: chr1-236751612-G-A. GRCh37 (hg19) VCF-style: chr1-236914912-G-A.
Other names: p.S600N:AGC>AAC; c.1799G>A, p.Ser600Asn (NM_001278343.2); c.1175G>A, p.Ser392Asn (NM_001278344.2); short protein forms S600N, S392N.
Identifiers: ClinVar variation 201643 (VCV000201643.20), dbSNP rs794728968, ClinGen allele CA335035.